The following is an entry in ClinVar:

NM_004586.3(RPS6KA3):c.243+6T>G

Gene: RPS6KA3 (ribosomal protein S6 kinase A3; minus strand). Cytogenetic location: Xp22.12.
Variant type: single nucleotide variant.
Coding change: c.243+6T>G on transcript NM_004586.3 (MANE Select); 6 bases into the intron after coding-DNA position 243, T replaced by G.
Molecular consequence: intron variant.
Genome position (GRCh38, 1-based): chrX:20,209,282, A>C on the plus strand (T>G on the coding strand, the complement: RPS6KA3 is on the minus strand). VCF-style: chrX-20209282-A-C. GRCh37 (hg19) VCF-style: chrX-20227400-A-C.
Identifiers: ClinVar variation 2936952 (VCV002936952.3), dbSNP rs761209050, ClinGen allele CA10366317.

ClinVar aggregate classification (germline): Uncertain significance (1 of 4 stars; one submission).

Conditions:
Intellectual developmental disorder, X-linked 19. Also called: Intellectual disability, X-linked 19. Identifiers: Orphanet 777, MedGen C0796225, MONDO:0010447, OMIM 300844.
Coffin-Lowry syndrome (CLS). Also called: COFFIN-LOWRY SYNDROME, MILD; Mental retardation with osteocartilaginous abnormalities. Identifiers: Orphanet 192, MedGen C0265252, MONDO:0010561, OMIM 303600.

Allele frequency attached by ClinVar (database versions not stated): TOPMed 0.00002; gnomAD 0.00003; gnomAD exomes 0.00003; ExAC 0.00005.
gnomAD v4.1: 31 of 1,032,877 alleles (0.003%); highest among the groups gnomAD compares: Middle Eastern, 0.028%; no homozygotes.

Submission:

Labcorp Genetics (formerly Invitae), Labcorp
Classification: Uncertain significance for Coffin-Lowry syndrome; Intellectual developmental disorder, X-linked 19. Last evaluated: 2023-10-29. Review status: criteria provided, single submitter. Criteria: Invitae Variant Classification Sherloc (09022015). Collection method: clinical testing. Allele origin: germline.
Comment: This sequence change falls in intron 3 of the RPS6KA3 gene. It does not directly change the encoded amino acid sequence of the RPS6KA3 protein. It affects a nucleotide within the consensus splice site. This variant is present in population databases (rs761209050, gnomAD 0.007%), including at least one homozygous and/or hemizygous individual. This variant has not been reported in the literature in individuals affected with RPS6KA3-related conditions. Variants that disrupt the consensus splice site are a relatively common cause of aberrant splicing (PMID: 17576681, 9536098). Algorithms developed to predict the effect of sequence changes on RNA splicing suggest that this variant is not likely to affect RNA splicing. In summary, the available evidence is currently insufficient to determine the role of this variant in disease. Therefore, it has been classified as a Variant of Uncertain Significance.

Literature cited by the submitters: PubMed 17576681; PubMed 9536098.